The following is an entry in ClinVar:

ClinVar aggregate classification (germline): Uncertain significance (1 of 4 stars; one submission).

Conditions:
Bardet-Biedl syndrome (BBS). Identifiers: Orphanet 110, MedGen C0752166, MONDO:0015229.

Submission:

Labcorp Genetics (formerly Invitae), Labcorp
Classification: Uncertain significance for Bardet-Biedl syndrome. Last evaluated: 2022-04-29. Review status: criteria provided, single submitter. Criteria: Invitae Variant Classification Sherloc (09022015). Collection method: clinical testing. Allele origin: germline.
Comment: This variant, c.710_712del, is a complex sequence change that results in the deletion of 2 and insertion of 1 amino acid(s) in the TRIM32 protein (p.Ser237_Arg238delinsCys). This variant is not present in population databases (gnomAD no frequency). This variant has not been reported in the literature in individuals affected with TRIM32-related conditions. Experimental studies and prediction algorithms are not available or were not evaluated, and the functional significance of this variant is currently unknown. In summary, the available evidence is currently insufficient to determine the role of this variant in disease. Therefore, it has been classified as a Variant of Uncertain Significance.

NM_012210.4(TRIM32):c.710_712del (p.Ser237_Arg238delinsCys)

Genes: ASTN2 (astrotactin 2; minus strand), TRIM32 (tripartite motif containing 32; plus strand). Cytogenetic location: 9q33.1.
Variant type: Deletion.
Coding change: c.710_712del on transcript NM_012210.4 (MANE Select); coding-DNA positions 710 to 712, 3 bases deleted (CTC; older notation c.710_712delCTC).
Protein change: p.Ser237_Arg238delinsCys.
Molecular consequence: inframe indel. On other transcripts: intron variant (3).
Genome position (GRCh38, 1-based): chr9:116,698,452-116,698,454, CTC deleted. VCF-style (leftmost placement, unchanged base first): chr9-116698451-TCTC-T. GRCh37 (hg19) VCF-style: chr9-119460730-TCTC-T.
Other names: c.2806+27317_2806+27319del (NM_001365068.1); c.710_712del, p.Ser237_Arg238delinsCys (NM_001099679.2, NM_001379048.1, NM_001379049.1 and 1 more transcripts); c.2653+27317_2653+27319del (NM_014010.5); c.2794+27317_2794+27319del (NM_001365069.1).
Identifiers: ClinVar variation 2079189 (VCV002079189.1), dbSNP rs2491061864, ClinGen allele CA2580079480.